The following is an entry in ClinVar:

ClinVar aggregate classification (germline): Uncertain significance (1 of 4 stars; one submission).

Submission:

CeGaT Center for Human Genetics Tuebingen
Classification: Uncertain significance. Last evaluated: 2022-09-01. Review status: criteria provided, single submitter. Criteria: CeGaT Center For Human Genetics Tuebingen Variant Classification Criteria Version 2. Collection method: clinical testing. Allele origin: germline. Affected: yes. Observed: 1 variant allele.
Comment: MAF: PM2, PP3, PP4

NM_005360.5(MAF):c.820C>G (p.Leu274Val)

Gene: MAF (MAF bZIP transcription factor; minus strand). Cytogenetic location: 16q23.2.
Variant type: single nucleotide variant.
Coding change: c.820C>G on transcript NM_005360.5 (MANE Select); coding-DNA position 820, C replaced by G.
Protein change: p.Leu274Val; replaces leucine 274 with valine.
Molecular consequence: missense variant.
Genome position (GRCh38, 1-based): chr16:79,599,083, G>C on the plus strand (C>G on the coding strand, the complement: MAF is on the minus strand). VCF-style: chr16-79599083-G-C. GRCh37 (hg19) VCF-style: chr16-79632980-G-C.
Other names: c.820C>G, p.Leu274Val (NM_001031804.3); short protein forms L274V.
Identifiers: ClinVar variation 1711414 (VCV001711414.30), dbSNP rs2143802140, ClinGen allele CA396535160.